The following is an entry in ClinVar:

ClinVar aggregate classification (germline): Uncertain significance. Review status: criteria provided, multiple submitters, no conflicts (2 of 4 stars). 2 submissions from 2 submitters: Uncertain significance (2). Last evaluated 2025-07-18.

Conditions:
PLXNA3-related disorder. Also called: PLXNA3-related condition.

Allele frequency attached by ClinVar (database versions not stated): ExAC 0.00005; gnomAD 0.00009; TOPMed 0.00009; gnomAD exomes 0.00012; ESP Exome Variant Server 0.00019.
gnomAD v4.1: 145 of 1,195,571 alleles (0.012%); highest among the groups gnomAD compares: Non-Finnish European, 0.014%; no homozygotes.

Submissions (2):

PreventionGenetics, part of Exact Sciences
Classification: Uncertain significance for PLXNA3-related condition. Last evaluated: 2025-07-18. Review status: criteria provided, single submitter. Criteria: ACMG Guidelines, 2015. Collection method: clinical testing. Allele origin: germline.
Comment: The PLXNA3 c.1423A>G variant is predicted to result in the amino acid substitution p.Ile475Val. To our knowledge, this variant has not been reported in the literature. This variant is reported in 0.011% of alleles in individuals of African descent in gnomAD. At this time, the clinical significance of this variant is uncertain due to the absence of conclusive functional and genetic evidence.

Ambry Genetics
Classification: Uncertain significance. Last evaluated: 2023-12-27. Review status: criteria provided, single submitter. Criteria: Ambry Variant Classification Scheme 2023. Collection method: clinical testing. Allele origin: germline.

NM_017514.5(PLXNA3):c.1423A>G (p.Ile475Val)

Gene: PLXNA3 (plexin A3; plus strand). Cytogenetic location: Xq28.
Variant type: single nucleotide variant.
Coding change: c.1423A>G on transcript NM_017514.5 (MANE Select); coding-DNA position 1423, A replaced by G.
Protein change: p.Ile475Val; replaces isoleucine 475 with valine.
Molecular consequence: missense variant.
Genome position (GRCh38, 1-based): chrX:154,463,496, A>G. VCF-style: chrX-154463496-A-G. GRCh37 (hg19) VCF-style: chrX-153691839-A-G.
Other names: short protein forms I475V.
Identifiers: ClinVar variation 2359600 (VCV002359600.3), dbSNP rs375126912, ClinGen allele CA10564030.